The following is an entry in ClinVar:

NM_001348323.3(TRIP12):c.437C>A (p.Thr146Lys)

Gene: TRIP12 (thyroid hormone receptor interactor 12; minus strand). Cytogenetic location: 2q36.3.
Variant type: single nucleotide variant.
Coding change: c.437C>A on transcript NM_001348323.3 (MANE Select); coding-DNA position 437, C replaced by A.
Protein change: p.Thr146Lys; replaces threonine 146 with lysine.
Molecular consequence: missense variant. On other transcripts: intron variant (1).
Genome position (GRCh38, 1-based): chr2:229,859,362, G>T on the plus strand (C>A on the coding strand, the complement: TRIP12 is on the minus strand). VCF-style: chr2-229859362-G-T. GRCh37 (hg19) VCF-style: chr2-230724078-G-T.
Other names: c.437C>A, p.Thr146Lys (NM_001284214.2, NM_001348315.2, NM_001348319.1 and 15 more transcripts); c.311C>A, p.Thr104Lys (NM_001284215.2, NM_001348316.2, NM_001348317.1 and 3 more transcripts); c.98+20620C>A (NM_001284216.2); short protein forms T104K, T146K.
Identifiers: ClinVar variation 1700965 (VCV001700965.2), dbSNP rs2154336251, ClinGen allele CA350898365.
Genomic context (GRCh38, chr2:229,859,362, plus strand): 5'-GATTTCAGTTGTTGCTCCTGGTCTAAATGTCTCTTCTTTGACTTACTATGTGGCTTATTT[G>T]TTTCTGAGGGAGATTCAGTATGCTGAAGTGCTTTTGGTTTTTTTGCAGAGCTAGGAGAAT-3'
Protein context (NP_001335252.1, residues 136-156): ALQHTESPSE[Thr146Lys]NKPHSKSKKR

ClinVar aggregate classification (germline): Uncertain significance (1 of 4 stars; one submission).

Submission:

GeneDx
Classification: Uncertain significance. Last evaluated: 2022-02-15. Review status: criteria provided, single submitter. Criteria: GeneDx Variant Classification Process June 2021. Collection method: clinical testing. Allele origin: germline. Affected: yes.
Comment: Not observed at significant frequency in large population cohorts (gnomAD); In silico analysis supports that this missense variant has a deleterious effect on protein structure/function; Has not been previously published as pathogenic or benign to our knowledge